The following is an entry in ClinVar:

ClinVar aggregate classification (germline): Uncertain significance (1 of 4 stars; one submission).

Conditions:
Hereditary sensory and autonomic neuropathy type 7. Also called: HSAN VII; Neuropathy, hereditary sensory and autonomic, type VII. Identifiers: Orphanet 391397, MedGen C3809882, MONDO:0014244, OMIM 615548.
Familial episodic pain syndrome with predominantly lower limb involvement. Also called: Episodic pain syndrome, familial, 3. Identifiers: Orphanet 391384, Orphanet 391392, MedGen C3809899, MONDO:0014247, OMIM 615552.

Submission:

Labcorp Genetics (formerly Invitae), Labcorp
Classification: Uncertain significance for Familial episodic pain syndrome with predominantly lower limb involvement; Hereditary sensory and autonomic neuropathy type 7. Last evaluated: 2024-01-28. Review status: criteria provided, single submitter. Criteria: Invitae Variant Classification Sherloc (09022015). Collection method: clinical testing. Allele origin: germline.
Comment: This variant, c.357_359del, results in the deletion of 1 amino acid(s) of the SCN11A protein (p.Arg119del), but otherwise preserves the integrity of the reading frame. This variant is present in population databases (no rsID available, gnomAD 0.02%). This variant has not been reported in the literature in individuals affected with SCN11A-related conditions. ClinVar contains an entry for this variant (Variation ID: 1036371). Experimental studies and prediction algorithms are not available or were not evaluated, and the functional significance of this variant is currently unknown. Algorithms developed to predict the effect of sequence changes on RNA splicing suggest that this variant may disrupt the consensus splice site. In summary, the available evidence is currently insufficient to determine the role of this variant in disease. Therefore, it has been classified as a Variant of Uncertain Significance.

NM_001349253.2(SCN11A):c.357_359del (p.Arg119del)

Gene: SCN11A (sodium voltage-gated channel alpha subunit 11; minus strand). Cytogenetic location: 3p22.2.
Variant type: Deletion.
Coding change: c.357_359del on transcript NM_001349253.2 (MANE Select); coding-DNA positions 357 to 359, 3 bases deleted (AAG; older notation c.357_359delAAG).
Protein change: p.Arg119del; deletes arginine 119.
Molecular consequence: inframe deletion.
Genome position (GRCh38, 1-based): chr3:38,946,816-38,946,818, CTT deleted on the plus strand (AAG on the coding strand, the reverse complement: SCN11A is on the minus strand); deleting any 3 consecutive bases within chr3:38,946,816-38,946,820 gives the same sequence; the c. name uses the placement nearest the transcript's 3' end. VCF-style (leftmost placement, unchanged base first): chr3-38946815-ACTT-A. GRCh37 (hg19) VCF-style: chr3-38988306-ACTT-A.
Other names: c.357_359del, p.Arg119del (NM_014139.3); short protein forms R119del.
Identifiers: ClinVar variation 1036371 (VCV001036371.5), dbSNP rs994854442, ClinGen allele CA72991701.